The following is an entry in ClinVar:

NM_001046.3(SLC12A2):c.571G>A (p.Gly191Ser)

Gene: SLC12A2 (solute carrier family 12 member 2; plus strand). Cytogenetic location: 5q23.3.
Variant type: single nucleotide variant.
Coding change: c.571G>A on transcript NM_001046.3 (MANE Select); coding-DNA position 571, G replaced by A.
Protein change: p.Gly191Ser; replaces glycine 191 with serine.
Molecular consequence: missense variant. On other transcripts: non-coding transcript variant (1).
Genome position (GRCh38, 1-based): chr5:128,084,525, G>A. VCF-style: chr5-128084525-G-A. GRCh37 (hg19) VCF-style: chr5-127420217-G-A.
Other names: c.571G>A, p.Gly191Ser (NM_001256461.2); short protein forms G191S.
Identifiers: ClinVar variation 2998675 (VCV002998675.3), dbSNP rs1227396607, ClinGen allele CA360736760.

ClinVar aggregate classification (germline): Uncertain significance (1 of 4 stars; one submission).

Allele frequency attached by ClinVar (database versions not stated): gnomAD 0.00001; gnomAD exomes 0.00001; TOPMed 0.00001.

Submission:

Labcorp Genetics (formerly Invitae), Labcorp
Classification: Uncertain significance. Last evaluated: 2023-01-03. Review status: criteria provided, single submitter. Criteria: Invitae Variant Classification Sherloc (09022015). Collection method: clinical testing. Allele origin: germline.
Comment: In summary, the available evidence is currently insufficient to determine the role of this variant in disease. Therefore, it has been classified as a Variant of Uncertain Significance. Advanced modeling of protein sequence and biophysical properties (such as structural, functional, and spatial information, amino acid conservation, physicochemical variation, residue mobility, and thermodynamic stability) performed at Invitae indicates that this missense variant is not expected to disrupt SLC12A2 protein function. This variant has not been reported in the literature in individuals affected with SLC12A2-related conditions. This variant is present in population databases (no rsID available, gnomAD 0.007%). This sequence change replaces glycine, which is neutral and non-polar, with serine, which is neutral and polar, at codon 191 of the SLC12A2 protein (p.Gly191Ser).